The following is an entry in ClinVar:

NM_006231.4(POLE):c.4454G>T (p.Arg1485Leu)

Gene: POLE (DNA polymerase epsilon, catalytic subunit; minus strand). Cytogenetic location: 12q24.33.
Variant type: single nucleotide variant.
Coding change: c.4454G>T on transcript NM_006231.4 (MANE Select); coding-DNA position 4454, G replaced by T.
Protein change: p.Arg1485Leu; replaces arginine 1485 with leucine.
Molecular consequence: missense variant.
Genome position (GRCh38, 1-based): chr12:132,643,321, C>A on the plus strand (G>T on the coding strand, the complement: POLE is on the minus strand). VCF-style: chr12-132643321-C-A. GRCh37 (hg19) VCF-style: chr12-133219907-C-A.
Other names: short protein forms R1485L.
Identifiers: ClinVar variation 952767 (VCV000952767.9), dbSNP rs973405989, ClinGen allele CA387380785.

ClinVar aggregate classification (germline): Uncertain significance (1 of 4 stars; one submission).

Submission:

Labcorp Genetics (formerly Invitae), Labcorp
Classification: Uncertain significance. Last evaluated: 2023-11-03. Review status: criteria provided, single submitter. Criteria: Invitae Variant Classification Sherloc (09022015). Collection method: clinical testing. Allele origin: germline.
Comment: This sequence change replaces arginine, which is basic and polar, with leucine, which is neutral and non-polar, at codon 1485 of the POLE protein (p.Arg1485Leu). This variant is not present in population databases (gnomAD no frequency). This variant has not been reported in the literature in individuals affected with POLE-related conditions. ClinVar contains an entry for this variant (Variation ID: 952767). Advanced modeling of protein sequence and biophysical properties (such as structural, functional, and spatial information, amino acid conservation, physicochemical variation, residue mobility, and thermodynamic stability) performed at Invitae indicates that this missense variant is not expected to disrupt POLE protein function with a negative predictive value of 80%. In summary, the available evidence is currently insufficient to determine the role of this variant in disease. Therefore, it has been classified as a Variant of Uncertain Significance.